The following is an entry in ClinVar:

NM_001035.3(RYR2):c.1264A>G (p.Thr422Ala)

Gene: RYR2 (ryanodine receptor 2; plus strand). Cytogenetic location: 1q43.
Variant type: single nucleotide variant.
Coding change: c.1264A>G on transcript NM_001035.3 (MANE Select); coding-DNA position 1264, A replaced by G.
Protein change: p.Thr422Ala; replaces threonine 422 with alanine.
Molecular consequence: missense variant.
Genome position (GRCh38, 1-based): chr1:237,445,494, A>G. VCF-style: chr1-237445494-A-G. GRCh37 (hg19) VCF-style: chr1-237608794-A-G.
Other names: c.1264A>G (NM_001035.2); short protein forms T422A.
Identifiers: ClinVar variation 926055 (VCV000926055.15), dbSNP rs1350054663, ClinGen allele CA345377805.

ClinVar aggregate classification (germline): Uncertain significance. Review status: criteria provided, multiple submitters, no conflicts (2 of 4 stars). 3 submissions from 3 submitters: Uncertain significance (3). Last evaluated 2024-03-06.

Conditions:
Cardiomyopathy (CMYO). Also called: Cardiomyopathies. Identifiers: Orphanet 167848, MedGen C0878544, MONDO:0004994, HP:0001638. Inheritance: Various modes of inheritance.
Catecholaminergic polymorphic ventricular tachycardia 1. Also called: VENTRICULAR TACHYCARDIA, CATECHOLAMINERGIC POLYMORPHIC, 1, WITH OR WITHOUT ATRIAL DYSFUNCTION AND/OR DILATED CARDIOMYOPATHY; VENTRICULAR TACHYCARDIA, STRESS-INDUCED POLYMORPHIC 1; RYR2-Related Catecholaminergic Polymorphic Ventricular Tachycardia. Identifiers: Orphanet 3286, MedGen C1631597, MONDO:0011484, OMIM 604772.
Cardiovascular phenotype. Identifiers: MedGen CN230736.

Allele frequency attached by ClinVar (database versions not stated): gnomAD exomes below 0.00001.

Submissions (3):

Color Diagnostics, LLC DBA Color Health
Classification: Uncertain significance for Cardiomyopathy. Last evaluated: 2024-03-06. Review status: criteria provided, single submitter. Criteria: ACMG Guidelines, 2015. Collection method: clinical testing. Allele origin: germline.
Comment: This missense variant replaces threonine with alanine at codon 422 of the RYR2 protein. Computational prediction is inconclusive regarding the impact of this variant on protein structure and function (internally defined REVEL score threshold 0.5 < inconclusive < 0.7, PMID: 27666373). Splice site prediction tools suggest that this variant may not impact RNA splicing. To our knowledge, functional studies have not been performed for this variant. This variant has not been reported in individuals affected with cardiovascular disorders in the literature. This variant has been identified in 1/249002 chromosomes in the general population by the Genome Aggregation Database (gnomAD). The available evidence is insufficient to determine the role of this variant in disease conclusively. Therefore, this variant is classified as a Variant of Uncertain Significance.

Ambry Genetics
Classification: Uncertain significance for Cardiovascular phenotype. Last evaluated: 2022-10-19. Review status: criteria provided, single submitter. Criteria: Ambry Variant Classification Scheme 2023. Collection method: clinical testing. Allele origin: germline.
Comment: The p.T422A variant (also known as c.1264A>G), located in coding exon 14 of the RYR2 gene, results from an A to G substitution at nucleotide position 1264. The threonine at codon 422 is replaced by alanine, an amino acid with similar properties. This amino acid position is highly conserved in available vertebrate species. In addition, the in silico prediction for this alteration is inconclusive. Since supporting evidence is limited at this time, the clinical significance of this alteration remains unclear.

Labcorp Genetics (formerly Invitae), Labcorp
Classification: Uncertain significance for Catecholaminergic polymorphic ventricular tachycardia 1. Last evaluated: 2022-06-17. Review status: criteria provided, single submitter. Criteria: Invitae Variant Classification Sherloc (09022015). Collection method: clinical testing. Allele origin: germline.
Comment: In summary, the available evidence is currently insufficient to determine the role of this variant in disease. Therefore, it has been classified as a Variant of Uncertain Significance. Algorithms developed to predict the effect of missense changes on protein structure and function are either unavailable or do not agree on the potential impact of this missense change (SIFT: "Deleterious"; PolyPhen-2: "Benign"; Align-GVGD: "Class C55"). ClinVar contains an entry for this variant (Variation ID: 926055). This variant has not been reported in the literature in individuals affected with RYR2-related conditions. This variant is present in population databases (no rsID available, gnomAD 0.0009%). This sequence change replaces threonine, which is neutral and polar, with alanine, which is neutral and non-polar, at codon 422 of the RYR2 protein (p.Thr422Ala).